The following is an entry in ClinVar:

ClinVar aggregate classification (germline): Uncertain significance (1 of 4 stars; one submission).

Conditions:
Fanconi anemia (FA). Also called: Fanconi's anemia. Identifiers: Orphanet 84, MedGen C0015625, MeSH D005199, MONDO:0019391.

Submission:

Labcorp Genetics (formerly Invitae), Labcorp
Classification: Uncertain significance for Fanconi anemia. Last evaluated: 2022-09-01. Review status: criteria provided, single submitter. Criteria: Invitae Variant Classification Sherloc (09022015). Collection method: clinical testing. Allele origin: germline.
Comment: In summary, the available evidence is currently insufficient to determine the role of this variant in disease. Therefore, it has been classified as a Variant of Uncertain Significance. Advanced modeling of protein sequence and biophysical properties (such as structural, functional, and spatial information, amino acid conservation, physicochemical variation, residue mobility, and thermodynamic stability) performed at Invitae indicates that this missense variant is not expected to disrupt FANCA protein function. ClinVar contains an entry for this variant (Variation ID: 1034921). This variant has not been reported in the literature in individuals affected with FANCA-related conditions. This variant is not present in population databases (gnomAD no frequency). This sequence change replaces leucine, which is neutral and non-polar, with valine, which is neutral and non-polar, at codon 177 of the FANCA protein (p.Leu177Val).

NM_000135.4(FANCA):c.529T>G (p.Leu177Val)

Gene: FANCA (FA complementation group A; minus strand). Cytogenetic location: 16q24.3.
Variant type: single nucleotide variant.
Coding change: c.529T>G on transcript NM_000135.4 (MANE Select); coding-DNA position 529, T replaced by G.
Protein change: p.Leu177Val; replaces leucine 177 with valine.
Molecular consequence: missense variant.
Genome position (GRCh38, 1-based): chr16:89,808,361, A>C on the plus strand (T>G on the coding strand, the complement: FANCA is on the minus strand). VCF-style: chr16-89808361-A-C. GRCh37 (hg19) VCF-style: chr16-89874769-A-C.
Other names: c.529T>G, p.Leu177Val (NM_001018112.3, NM_001286167.3); c.433T>G, p.Leu145Val (NM_001351830.2); short protein forms L177V, L145V.
Identifiers: ClinVar variation 1034921 (VCV001034921.8), dbSNP rs2040743961, ClinGen allele CA397479448.